The following is an entry in ClinVar:

NM_004304.5(ALK):c.4297G>C (p.Glu1433Gln)

Gene: ALK (ALK receptor tyrosine kinase; minus strand). Cytogenetic location: 2p23.2.
Variant type: single nucleotide variant.
Coding change: c.4297G>C on transcript NM_004304.5 (MANE Select); coding-DNA position 4297, G replaced by C.
Protein change: p.Glu1433Gln; replaces glutamic acid 1433 with glutamine.
Molecular consequence: missense variant.
Genome position (GRCh38, 1-based): chr2:29,193,790, C>G on the plus strand (G>C on the coding strand, the complement: ALK is on the minus strand). VCF-style: chr2-29193790-C-G. GRCh37 (hg19) VCF-style: chr2-29416656-C-G.
Other names: c.1093G>C, p.Glu365Gln (NM_001353765.2); short protein forms E365Q, E1433Q.
Identifiers: ClinVar variation 964353 (VCV000964353.11), dbSNP rs1668950485, ClinGen allele CA346462748.

ClinVar aggregate classification (germline): Uncertain significance. Review status: criteria provided, multiple submitters, no conflicts (2 of 4 stars). 3 submissions from 3 submitters: Uncertain significance (3). Last evaluated 2024-02-18.

Conditions:
Neuroblastoma, susceptibility to, 3. Also called: ALK-Related Neuroblastic Tumor Susceptibility. Identifiers: Orphanet 635, MedGen C2751681, MONDO:0013083, OMIM 613014.
Hereditary cancer-predisposing syndrome. Also called: Hereditary neoplastic syndrome; Hereditary Cancer Syndrome; Tumor predisposition; Neoplastic Syndromes, Hereditary. Identifiers: Orphanet 140162, MedGen C0027672, MeSH D009386, MONDO:0015356.

Allele frequency attached by ClinVar (database versions not stated): gnomAD exomes below 0.00001.
gnomAD v4.1: 8 of 1,594,350 alleles (0.0005%); highest among the groups gnomAD compares: Non-Finnish European, 0.00051%; no homozygotes.

Submissions (3):

Ambry Genetics
Classification: Uncertain significance for Hereditary cancer-predisposing syndrome. Last evaluated: 2024-02-18. Review status: criteria provided, single submitter. Criteria: Ambry Variant Classification Scheme 2023. Collection method: clinical testing. Allele origin: germline.
Comment: The p.E1433Q variant (also known as c.4297G>C), located in coding exon 29 of the ALK gene, results from a G to C substitution at nucleotide position 4297. The glutamic acid at codon 1433 is replaced by glutamine, an amino acid with highly similar properties. This amino acid position is conserved. In addition, this alteration is predicted to be tolerated by in silico analysis. Based on the available evidence, the clinical significance of this alteration remains unclear.

Baylor Genetics
Classification: Uncertain significance for Neuroblastoma, susceptibility to, 3. Last evaluated: 2024-02-13. Review status: criteria provided, single submitter. Criteria: ACMG Guidelines, 2015. Collection method: clinical testing. Allele origin: unknown.

Labcorp Genetics (formerly Invitae), Labcorp
Classification: Uncertain significance for Neuroblastoma, susceptibility to, 3. Last evaluated: 2023-12-12. Review status: criteria provided, single submitter. Criteria: Invitae Variant Classification Sherloc (09022015). Collection method: clinical testing. Allele origin: germline.
Comment: This sequence change replaces glutamic acid, which is acidic and polar, with glutamine, which is neutral and polar, at codon 1433 of the ALK protein (p.Glu1433Gln). This variant is not present in population databases (gnomAD no frequency). This variant has not been reported in the literature in individuals affected with ALK-related conditions. ClinVar contains an entry for this variant (Variation ID: 964353). An algorithm developed to predict the effect of missense changes on protein structure and function (PolyPhen-2) suggests that this variant is likely to be tolerated. In summary, the available evidence is currently insufficient to determine the role of this variant in disease. Therefore, it has been classified as a Variant of Uncertain Significance.